The following is an entry in ClinVar:

NM_020247.5(COQ8A):c.1573-3C>G

Gene: COQ8A (coenzyme Q8A; plus strand). Cytogenetic location: 1q42.13.
Variant type: single nucleotide variant.
Coding change: c.1573-3C>G on transcript NM_020247.5 (MANE Select); 3 bases into the intron before coding-DNA position 1573, C replaced by G.
Molecular consequence: intron variant.
Genome position (GRCh38, 1-based): chr1:226,985,251, C>G. VCF-style: chr1-226985251-C-G. GRCh37 (hg19) VCF-style: chr1-227172952-C-G.
Identifiers: ClinVar variation 2106209 (VCV002106209.4), dbSNP rs757502588, ClinGen allele CA1012969255.

ClinVar aggregate classification (germline): Uncertain significance (1 of 4 stars; one submission).

Allele frequency attached by ClinVar (database versions not stated): gnomAD 0.00001; TOPMed 0.00001.
gnomAD v4.1: 1 of 1,613,284 alleles (0.000062%); highest among the groups gnomAD compares: Admixed American, 0.0017%; no homozygotes.

Submission:

Labcorp Genetics (formerly Invitae), Labcorp
Classification: Uncertain significance. Last evaluated: 2024-02-17. Review status: criteria provided, single submitter. Criteria: Invitae Variant Classification Sherloc (09022015). Collection method: clinical testing. Allele origin: germline.
Comment: This sequence change falls in intron 13 of the COQ8A gene. It does not directly change the encoded amino acid sequence of the COQ8A protein. It affects a nucleotide within the consensus splice site. This variant is not present in population databases (gnomAD no frequency). This variant has not been reported in the literature in individuals affected with COQ8A-related conditions. ClinVar contains an entry for this variant (Variation ID: 2106209). Variants that disrupt the consensus splice site are a relatively common cause of aberrant splicing (PMID: 17576681, 9536098). Algorithms developed to predict the effect of sequence changes on RNA splicing suggest that this variant may disrupt the consensus splice site. In summary, the available evidence is currently insufficient to determine the role of this variant in disease. Therefore, it has been classified as a Variant of Uncertain Significance.

Literature cited by the submitters: PubMed 17576681; PubMed 9536098.